The following is an entry in ClinVar:

NM_000350.3(ABCA4):c.1757A>G (p.Asp586Gly)

Gene: ABCA4 (ATP binding cassette subfamily A member 4; minus strand). Cytogenetic location: 1p22.1.
Variant type: single nucleotide variant.
Coding change: c.1757A>G on transcript NM_000350.3 (MANE Select); coding-DNA position 1757, A replaced by G.
Protein change: p.Asp586Gly; replaces aspartic acid 586 with glycine.
Molecular consequence: missense variant.
Genome position (GRCh38, 1-based): chr1:94,063,115, T>C on the plus strand (A>G on the coding strand, the complement: ABCA4 is on the minus strand). VCF-style: chr1-94063115-T-C. GRCh37 (hg19) VCF-style: chr1-94528671-T-C.
Other names: c.1757A>G, p.Asp586Gly (NM_001425324.1); short protein forms D586G.
Identifiers: ClinVar variation 438089 (VCV000438089.28), dbSNP rs1553192682, ClinGen allele CA341279878.
Genomic context (GRCh38, chr1:94,063,115, plus strand): 5'-AAATGTAATTTCCCACTGACTTTGGAGAAATGCAGCGAGCCCTTCCTGAAACATCACCTG[T>C]CTTTAATCTTATTGGTTTTCTCCACCACGTCTATGTCCATTCGGATCTTATACTTCACGT-3'
Protein context (NP_000341.2, residues 576-596): DVVEKTNKIK[Asp586Gly]RYWDSGPRAD

ClinVar aggregate classification (germline): Pathogenic/Likely pathogenic. Review status: criteria provided, multiple submitters, no conflicts (2 of 4 stars). 5 submissions from 5 submitters: Pathogenic (1); Likely pathogenic (3). 1 of the submissions does not count toward it. Last evaluated 2024-11-04.

Conditions:
Macular dystrophy. Identifiers: MedGen C0730292, HP:0007754.
ABCA4-related disorder. Also called: ABCA4-related condition; ABCA4-related disorders. Identifiers: MedGen CN239167.
Retinal dystrophy. Also called: Inherited retinal dystrophy. Identifiers: Orphanet 71862, MedGen C0854723, MeSH D058499, MONDO:0019118, HP:0000556.

Submissions (5):

Blueprint Genetics
Classification: Likely pathogenic for ABCA4-related disorders. Last evaluated: 2024-11-04. Review status: criteria provided, single submitter. Criteria: ACMG Guidelines, 2015. Collection method: clinical testing. Allele origin: germline. Affected: yes. Observed: 3 variant alleles.

CeGaT Center for Human Genetics Tuebingen
Classification: Likely pathogenic. Last evaluated: 2024-01-01. Review status: criteria provided, single submitter. Criteria: CeGaT Center For Human Genetics Tuebingen Variant Classification Criteria Version 2. Collection method: clinical testing. Allele origin: germline. Affected: yes. Observed: 1 variant allele.
Comment: ABCA4: PM3:Strong, PM2, PM5:Supporting, PP3

Labcorp Genetics (formerly Invitae), Labcorp
Classification: Pathogenic. Last evaluated: 2023-07-29. Review status: criteria provided, single submitter. Criteria: Invitae Variant Classification Sherloc (09022015). Collection method: clinical testing. Allele origin: germline.
Comment: For these reasons, this variant has been classified as Pathogenic. Algorithms developed to predict the effect of sequence changes on RNA splicing suggest that this variant may disrupt the consensus splice site. Advanced modeling of protein sequence and biophysical properties (such as structural, functional, and spatial information, amino acid conservation, physicochemical variation, residue mobility, and thermodynamic stability) performed at Invitae indicates that this missense variant is expected to disrupt ABCA4 protein function. ClinVar contains an entry for this variant (Variation ID: 438089). This missense change has been observed in individual(s) with Stargardt Disease (PMID: 29925512). This variant is not present in population databases (gnomAD no frequency). This sequence change replaces aspartic acid, which is acidic and polar, with glycine, which is neutral and non-polar, at codon 586 of the ABCA4 protein (p.Asp586Gly).

Institute of Human Genetics, Univ. Regensburg, Univ. Regensburg
Classification: Likely pathogenic for Retinal dystrophy. Last evaluated: 2023-01-01. Review status: criteria provided, single submitter. Criteria: ACMG Guidelines, 2015. Collection method: clinical testing. Allele origin: germline. Affected: yes.

NIHR Bioresource Rare Diseases, University of Cambridge
Classification: Likely pathogenic for Macular dystrophy. Last evaluated: 2015-01-01. Review status: no assertion criteria provided. Collection method: research. Allele origin: unknown. Affected: yes. Observed: 1 variant allele. Not counted in ClinVar's aggregate classification.

Literature cited by the submitters: PubMed 29925512 (cited by Labcorp Genetics (formerly Invitae), Labcorp and Institute of Human Genetics, Univ. Regensburg, Univ. Regensburg); PubMed 25312043 (cited by Institute of Human Genetics, Univ. Regensburg, Univ. Regensburg and NIHR Bioresource Rare Diseases, University of Cambridge); PubMed 32845068 (cited by Institute of Human Genetics, Univ. Regensburg, Univ. Regensburg); PubMed 35260635 (cited by Institute of Human Genetics, Univ. Regensburg, Univ. Regensburg); PubMed 35836572 (cited by Institute of Human Genetics, Univ. Regensburg, Univ. Regensburg); PubMed 28041643 (cited by NIHR Bioresource Rare Diseases, University of Cambridge).